The following is an entry in ClinVar:

ClinVar aggregate classification (germline): Uncertain significance (1 of 4 stars; one submission).

gnomAD v4.1: 1 of 1,613,358 alleles (0.000062%); highest among the groups gnomAD compares: Non-Finnish European, 0.000085%; no homozygotes.

Submission:

CeGaT Center for Human Genetics Tuebingen
Classification: Uncertain significance. Last evaluated: 2024-11-01. Review status: criteria provided, single submitter. Criteria: CeGaT Center For Human Genetics Tuebingen Variant Classification Criteria Version 2. Collection method: clinical testing. Allele origin: germline. Affected: yes. Observed: 1 variant allele.
Comment: VWF: PM2, PP3, PP4

NM_000552.5(VWF):c.7081G>C (p.Ala2361Pro)

Gene: VWF (von Willebrand factor; minus strand). Cytogenetic location: 12p13.31.
Variant type: single nucleotide variant.
Coding change: c.7081G>C on transcript NM_000552.5 (MANE Select); coding-DNA position 7081, G replaced by C.
Protein change: p.Ala2361Pro; replaces alanine 2361 with proline.
Molecular consequence: missense variant.
Genome position (GRCh38, 1-based): chr12:5,983,150, C>G on the plus strand (G>C on the coding strand, the complement: VWF is on the minus strand). VCF-style: chr12-5983150-C-G. GRCh37 (hg19) VCF-style: chr12-6092316-C-G.
Other names: short protein forms A2361P.
Identifiers: ClinVar variation 3390115 (VCV003390115.14).